The following is an entry in ClinVar:

ClinVar aggregate classification (germline): Uncertain significance (1 of 4 stars; one submission).

gnomAD v4.1: 1 of 1,600,422 alleles (0.000062%); highest among the groups gnomAD compares: Non-Finnish European, 0.000085%; no homozygotes.

Submission:

Ambry Genetics
Classification: Uncertain significance. Last evaluated: 2025-05-29. Review status: criteria provided, single submitter. Criteria: Ambry Variant Classification Scheme 2023. Collection method: clinical testing. Allele origin: germline.
Comment: The p.A1167T variant (also known as c.3499G>A), located in coding exon 14 of the WNK2 gene, results from a G to A substitution at nucleotide position 3499. The alanine at codon 1167 is replaced by threonine, an amino acid with similar properties. This amino acid position is conserved. In addition, this alteration is predicted to be tolerated by in silico analysis. Based on the available evidence, the clinical significance of this variant remains unclear.

NM_006648.4(WNK2):c.3499G>A (p.Ala1167Thr)

Gene: WNK2 (WNK lysine deficient protein kinase 2; plus strand). Cytogenetic location: 9q22.31.
Variant type: single nucleotide variant.
Coding change: c.3499G>A on transcript NM_006648.4 (MANE Select); coding-DNA position 3499, G replaced by A.
Protein change: p.Ala1167Thr; replaces alanine 1167 with threonine.
Molecular consequence: missense variant.
Genome position (GRCh38, 1-based): chr9:93,263,654, G>A. VCF-style: chr9-93263654-G-A. GRCh37 (hg19) VCF-style: chr9-96025936-G-A.
Other names: c.3499G>A, p.Ala1167Thr (NM_001282394.3); short protein forms A1167T.
Identifiers: ClinVar variation 3982129 (VCV003982129.1).